The following is an entry in ClinVar:

ClinVar aggregate classification (germline): Conflicting classifications of pathogenicity. Review status: criteria provided, conflicting classifications (1 of 4 stars). 2 submissions from 2 submitters: Uncertain significance (1); Likely benign (1). Last evaluated 2025-11-26.

Conditions:
Cardiovascular phenotype. Identifiers: MedGen CN230736.
Hereditary cancer-predisposing syndrome. Also called: Hereditary Cancer Syndrome; Hereditary neoplastic syndrome; Neoplastic Syndromes, Hereditary; Tumor predisposition. Identifiers: Orphanet 140162, MedGen C0027672, MeSH D009386, MONDO:0015356.

Allele frequency attached by ClinVar (database versions not stated): gnomAD exomes below 0.00001.
gnomAD v4.1: 3 of 1,607,994 alleles (0.00019%); highest among the groups gnomAD compares: Middle Eastern, 0.035%; no homozygotes.

Submissions (2):

Women's Health and Genetics/Laboratory Corporation of America, LabCorp
Classification: Uncertain significance. Last evaluated: 2025-11-26. Review status: criteria provided, single submitter. Criteria: LabCorp Variant Classification Summary - May 2015. Collection method: clinical testing. Allele origin: germline.
Comment: Variant summary: LZTR1 c.1439G>A (p.Arg480Lys) results in a conservative amino acid change in the encoded protein sequence. Algorithms developed to predict the effect of missense changes on protein structure and function are either unavailable or do not agree on the potential impact of this missense change. The frequency data for this variant in gnomAD is considered unreliable, as metrics indicate poor data quality at this position. To our knowledge, no occurrence of c.1439G>A in individuals affected with LZTR1-related conditions and no experimental evidence demonstrating its impact on protein function have been reported. ClinVar contains an entry for this variant (Variation ID: 1772662). Based on the evidence outlined above, the variant was classified as uncertain significance.

Ambry Genetics
Classification: Likely benign for Cardiovascular phenotype; Hereditary cancer-predisposing syndrome. Last evaluated: 2024-08-22. Review status: criteria provided, single submitter. Criteria: Ambry Variant Classification Scheme 2023. Collection method: clinical testing. Allele origin: germline.

NM_006767.4(LZTR1):c.1439G>A (p.Arg480Lys)

Gene: LZTR1 (leucine zipper like post translational regulator 1; plus strand). Cytogenetic location: 22q11.21.
Variant type: single nucleotide variant.
Coding change: c.1439G>A on transcript NM_006767.4 (MANE Select); coding-DNA position 1439, G replaced by A.
Protein change: p.Arg480Lys; replaces arginine 480 with lysine.
Molecular consequence: missense variant.
Genome position (GRCh38, 1-based): chr22:20,994,009, G>A. VCF-style: chr22-20994009-G-A. GRCh37 (hg19) VCF-style: chr22-21348298-G-A.
Other names: short protein forms R480K.
Identifiers: ClinVar variation 1772662 (VCV001772662.4), dbSNP rs1924708834, ClinGen allele CA410775339.